The following is an entry in ClinVar:

NM_000038.6(APC):c.6332T>C (p.Ile2111Thr)

Gene: APC (APC regulator of Wnt signaling pathway; plus strand). Cytogenetic location: 5q22.2.
Variant type: single nucleotide variant.
Coding change: c.6332T>C on transcript NM_000038.6 (MANE Select); coding-DNA position 6332, T replaced by C.
Protein change: p.Ile2111Thr; replaces isoleucine 2111 with threonine.
Molecular consequence: missense variant.
Genome position (GRCh38, 1-based): chr5:112,841,926, T>C. VCF-style: chr5-112841926-T-C. GRCh37 (hg19) VCF-style: chr5-112177623-T-C.
Other names: c.6332T>C (NM_000038.5); c.6332T>C, p.Ile2111Thr (NM_001127510.3, NM_001354895.2, NM_001407450.1); c.6278T>C, p.Ile2093Thr (NM_001127511.3); c.6386T>C, p.Ile2129Thr (NM_001354896.2, NM_001407447.1, NM_001407448.1 and 1 more transcripts); c.6362T>C, p.Ile2121Thr (NM_001354897.2); c.6257T>C, p.Ile2086Thr (NM_001354898.2); c.6248T>C, p.Ile2083Thr (NM_001354899.2); c.6209T>C, p.Ile2070Thr (NM_001354900.2); and 12 more; short protein forms I1951T, I1982T, I2083T, I2093T, I1727T, I1985T, I2020T, I2070T.
Identifiers: ClinVar variation 2094445 (VCV002094445.5), dbSNP rs2149962521, ClinGen allele CA16035199.
Genomic context (GRCh38, chr5:112,841,926, plus strand): 5'-GTCTATCCCCTGATTCAGAAAATTTTGATTGGAAAGCTATTCAGGAAGGTGCAAATTCCA[T>C]AGTAAGTAGTTTACATCAAGCTGCTGCTGCTGCATGTTTATCTAGACAAGCTTCGTCTGA-3'
Protein context (NP_000029.2, residues 2101-2121): WKAIQEGANS[Ile2111Thr]VSSLHQAAAA

ClinVar aggregate classification (germline): Uncertain significance. Review status: criteria provided, multiple submitters, no conflicts (2 of 4 stars). 2 submissions from 2 submitters: Uncertain significance (2). Last evaluated 2023-12-08.

Conditions:
Hereditary cancer-predisposing syndrome. Also called: Hereditary neoplastic syndrome; Neoplastic Syndromes, Hereditary; Tumor predisposition; Hereditary Cancer Syndrome. Identifiers: Orphanet 140162, MedGen C0027672, MeSH D009386, MONDO:0015356.
Familial adenomatous polyposis 1 (FAP1). Also called: FAMILIAL ADENOMATOUS POLYPOSIS 1, ATTENUATED; POLYPOSIS, ADENOMATOUS INTESTINAL. Identifiers: MedGen C2713442, MONDO:0021056, OMIM 175100. Disease mechanism: loss of function.

Submissions (2):

Ambry Genetics
Classification: Uncertain significance for Hereditary cancer-predisposing syndrome. Last evaluated: 2023-12-08. Review status: criteria provided, single submitter. Criteria: Ambry Variant Classification Scheme 2023. Collection method: clinical testing. Allele origin: germline.
Comment: The p.I2111T variant (also known as c.6332T>C), located in coding exon 15 of the APC gene, results from a T to C substitution at nucleotide position 6332. The isoleucine at codon 2111 is replaced by threonine, an amino acid with similar properties. This amino acid position is conserved. In addition, in silico predictors for this gene do not accurately predict pathogenicity. Since supporting evidence is limited at this time, the clinical significance of this alteration remains unclear.

Labcorp Genetics (formerly Invitae), Labcorp
Classification: Uncertain significance for Familial adenomatous polyposis 1. Last evaluated: 2022-02-07. Review status: criteria provided, single submitter. Criteria: Invitae Variant Classification Sherloc (09022015). Collection method: clinical testing. Allele origin: germline.
Comment: This sequence change replaces isoleucine, which is neutral and non-polar, with threonine, which is neutral and polar, at codon 2111 of the APC protein (p.Ile2111Thr). This variant is not present in population databases (gnomAD no frequency). This variant has not been reported in the literature in individuals affected with APC-related conditions. Algorithms developed to predict the effect of missense changes on protein structure and function are either unavailable or do not agree on the potential impact of this missense change (SIFT: "Tolerated"; PolyPhen-2: "Probably Damaging"; Align-GVGD: "Class C0"). In summary, the available evidence is currently insufficient to determine the role of this variant in disease. Therefore, it has been classified as a Variant of Uncertain Significance.